The following is an entry in ClinVar:

NM_033380.3(COL4A5):c.3178G>A (p.Gly1060Arg)

Gene: COL4A5 (collagen type IV alpha 5 chain; plus strand). Cytogenetic location: Xq22.3.
Variant type: single nucleotide variant.
Coding change: c.3178G>A on transcript NM_033380.3 (MANE Select); coding-DNA position 3178, G replaced by A.
Protein change: p.Gly1060Arg; replaces glycine 1060 with arginine.
Molecular consequence: missense variant.
Genome position (GRCh38, 1-based): chrX:108,626,281, G>A. VCF-style: chrX-108626281-G-A. GRCh37 (hg19) VCF-style: chrX-107869511-G-A.
Other names: c.3178G>A, p.Gly1060Arg (NM_000495.5); short protein forms G1060R.
Identifiers: ClinVar variation 4879883 (VCV004879883.2).
Genomic context (GRCh38, chrX:108,626,281, plus strand): 5'-GTGGAAGGGCCTCCTGGACCTTCTGGAGTTCCTGGACAACCTGGCTCCCCAGGATTACCT[G>A]GACAGAAAGGCGACAAAGGTGATCCTGGTATTTCAAGCATTGGTCTTCCAGGTCTTCCTG-3'
Protein context (NP_203699.1, residues 1050-1070): PGQPGSPGLP[Gly1060Arg]QKGDKGDPGI

ClinVar aggregate classification (germline): Likely pathogenic. Review status: criteria provided, multiple submitters, no conflicts (2 of 4 stars). 2 submissions from 2 submitters: Likely pathogenic (2). Last evaluated 2026-06-02.

Conditions:
COL4A5-related disorders.
Hematuria. Identifiers: MedGen C0018965, HP:0000790.

Submissions (2):

Genetics Laboratory, Great Ormond Street Hospital NHS Foundation Trust, North Thames Genomic Laboratory Hub
Classification: Likely pathogenic for Haematuria. Last evaluated: 2026-06-02. Review status: criteria provided, single submitter. Criteria: ACGS Best Practice Guidelines for Variant Classification in Rare Disease 2024 v1.2. Collection method: clinical testing. Allele origin: germline. Affected: yes.
Comment: PS4_supporting, PM2_moderate, PP3_supporting, PM5_supporting, PM1_strong

Blueprint Genetics
Classification: Likely pathogenic for COL4A5-related disorders. Last evaluated: 2021-06-09. Review status: criteria provided, single submitter. Criteria: ACMG Guidelines, 2015. Collection method: clinical testing. Allele origin: germline. Affected: yes. Observed: 1 variant allele.